The following is an entry in ClinVar:

ClinVar aggregate classification (germline): Uncertain significance (1 of 4 stars; one submission).

Submission:

GeneDx
Classification: Uncertain significance. Last evaluated: 2022-09-16. Review status: criteria provided, single submitter. Criteria: GeneDx Variant Classification Process June 2021. Collection method: clinical testing. Allele origin: germline. Affected: yes.
Comment: Not observed at significant frequency in large population cohorts (gnomAD); In silico analysis supports that this missense variant does not alter protein structure/function; Has not been previously published as pathogenic or benign to our knowledge

NM_001114748.2(TMEM240):c.136G>A (p.Asp46Asn)

Gene: TMEM240 (transmembrane protein 240; minus strand). Cytogenetic location: 1p36.33.
Variant type: single nucleotide variant.
Coding change: c.136G>A on transcript NM_001114748.2 (MANE Select); coding-DNA position 136, G replaced by A.
Protein change: p.Asp46Asn; replaces aspartic acid 46 with asparagine.
Molecular consequence: missense variant.
Genome position (GRCh38, 1-based): chr1:1,539,712, C>T on the plus strand (G>A on the coding strand, the complement: TMEM240 is on the minus strand). VCF-style: chr1-1539712-C-T. GRCh37 (hg19) VCF-style: chr1-1475092-C-T.
Other names: short protein forms D46N.
Identifiers: ClinVar variation 2444764 (VCV002444764.1), dbSNP rs2520998887, ClinGen allele CA337868943.